The following is an entry in ClinVar:

NM_006237.4(POU4F1):c.101_104dup (p.Cys36fs)

Genes: OBI1-AS1 (OBI1 antisense RNA 1; plus strand), POU4F1 (POU class 4 homeobox 1; minus strand). Cytogenetic location: 13q31.1.
Variant type: Duplication.
Coding change: c.101_104dup on transcript NM_006237.4 (MANE Select); coding-DNA positions 101 to 104, 4 bases duplicated (GGGC; older notation c.101_104dupGGGC).
Protein change: p.Cys36fs; shifts the reading frame from cysteine 36.
Molecular consequence: frameshift variant.
Genome position (GRCh38, 1-based): chr13:78,603,223-78,603,226, GCCC duplicated on the plus strand (GGGC on the coding strand, the reverse complement: POU4F1 is on the minus strand); duplicating any 4 consecutive bases within chr13:78,603,223-78,603,229 gives the same sequence; the c. name uses the placement nearest the transcript's 3' end. VCF-style (leftmost placement, unchanged base first): chr13-78603222-G-GGCCC. GRCh37 (hg19) VCF-style: chr13-79177357-G-GGCCC.
Other names: short protein forms C36fs.
Identifiers: ClinVar variation 1675527 (VCV001675527.33), dbSNP rs2137406246, ClinGen allele CA2573149719.

ClinVar aggregate classification (germline): Likely pathogenic (1 of 4 stars; one submission).

Submission:

CeGaT Center for Human Genetics Tuebingen
Classification: Likely pathogenic. Last evaluated: 2023-05-01. Review status: criteria provided, single submitter. Criteria: CeGaT Center For Human Genetics Tuebingen Variant Classification Criteria Version 2. Collection method: clinical testing. Allele origin: germline. Affected: yes. Observed: 1 variant allele.
Comment: POU4F1: PM2, PS2:Moderate, PVS1:Moderate, PP4